The following is an entry in ClinVar:

NM_001457.4(FLNB):c.7417+286T>C

Genes: FLNB (filamin B; plus strand), FLNB-AS1 (FLNB antisense RNA 1; minus strand). Cytogenetic location: 3p14.3.
Variant type: single nucleotide variant.
Coding change: c.7417+286T>C on transcript NM_001457.4 (MANE Select); 286 bases into the intron after coding-DNA position 7417, T replaced by C.
Molecular consequence: intron variant.
Genome position (GRCh38, 1-based): chr3:58,168,944, T>C. VCF-style: chr3-58168944-T-C. GRCh37 (hg19) VCF-style: chr3-58154671-T-C.
Other names: c.7510+286T>C (NM_001164317.2); c.7384+286T>C (NM_001164318.2); c.7345+286T>C (NM_001164319.2).
Identifiers: ClinVar variation 683176 (VCV000683176.2), dbSNP rs4681787, ClinGen allele CA11362542.

ClinVar aggregate classification (germline): Benign. Review status: criteria provided, multiple submitters, no conflicts (2 of 4 stars). 2 submissions from 2 submitters: Benign (2). Last evaluated 2018-06-14.

Allele frequency attached by ClinVar (database versions not stated): gnomAD 0.56842 and 0.57517; TOPMed 0.59762; 1000 Genomes Project 0.72324; 1000 Genomes Project 30x 0.72486.
gnomAD v4.1: 210,648 of 388,028 alleles (54%); highest among the groups gnomAD compares: East Asian, 100%; 62,193 homozygotes.

Submissions (2):

GeneDx
Classification: Benign. Last evaluated: 2018-06-14. Review status: criteria provided, single submitter. Criteria: GeneDx Variant Classification (06012015). Collection method: clinical testing. Allele origin: germline. Affected: yes.
Comment: This variant is considered likely benign or benign based on one or more of the following criteria: it is a conservative change, it occurs at a poorly conserved position in the protein, it is predicted to be benign by multiple in silico algorithms, and/or has population frequency not consistent with disease.

Breakthrough Genomics
Classification: Benign. Review status: criteria provided, single submitter. Criteria: ACMG Guidelines, 2015. Collection method: not provided. Allele origin: germline. Inheritance: Autosomal recessive inheritance. Affected: yes.